The following is an entry in ClinVar:

NM_001010874.5(TECRL):c.658-2del

Gene: TECRL (trans-2,3-enoyl-CoA reductase like; minus strand). Cytogenetic location: 4q13.1.
Variant type: Deletion.
Coding change: c.658-2del on transcript NM_001010874.5 (MANE Select); the canonical splice acceptor site of the intron before coding-DNA position 658, one base deleted (A; older notation c.658-2delA).
Molecular consequence: splice acceptor variant.
Genome position (GRCh38, 1-based): chr4:64,305,240, T deleted on the plus strand (A on the coding strand, the reverse complement: TECRL is on the minus strand). VCF-style (leftmost placement, unchanged base first): chr4-64305239-CT-C. GRCh37 (hg19) VCF-style: chr4-65170957-CT-C.
Other names: c.658-2del (NM_001363796.1).
Identifiers: ClinVar variation 4182156 (VCV004182156.1).

ClinVar aggregate classification (germline): Likely pathogenic (1 of 4 stars; one submission).

Conditions:
Cardiovascular phenotype. Identifiers: MedGen CN230736.

Submission:

Ambry Genetics
Classification: Likely pathogenic for Cardiovascular phenotype. Last evaluated: 2025-08-12. Review status: criteria provided, single submitter. Criteria: Ambry Variant Classification Scheme 2023. Collection method: clinical testing. Allele origin: germline.
Comment: The c.658-2delA intronic variant, located in intron 6 of the TECRL gene, results from a deletion of one nucleotide within intron 6 of the TECRL gene. This variant is considered to be rare based on population cohorts in the Genome Aggregation Database (gnomAD). This nucleotide position is highly conserved in available vertebrate species. In silico splice site analysis predicts that this alteration will weaken the native splice acceptor site. Alterations that disrupt the canonical splice site are expected to cause aberrant splicing, resulting in an abnormal protein or a transcript that is subject to nonsense-mediated mRNA decay. As such, this alteration is classified as likely pathogenic.